The following is an entry in ClinVar:

NM_130810.4(DNAAF4):c.372A>T (p.Glu124Asp)

Genes: DNAAF4 (dynein axonemal assembly factor 4; minus strand), DNAAF4-CCPG1 (DNAAF4-CCPG1 readthrough (NMD candidate); minus strand). Cytogenetic location: 15q21.3.
Variant type: single nucleotide variant.
Coding change: c.372A>T on transcript NM_130810.4 (MANE Select); coding-DNA position 372, A replaced by T.
Protein change: p.Glu124Asp; replaces glutamic acid 124 with aspartic acid.
Molecular consequence: missense variant. On other transcripts: non-coding transcript variant (1).
Genome position (GRCh38, 1-based): chr15:55,491,156, T>A on the plus strand (A>T on the coding strand, the complement: DNAAF4 is on the minus strand). VCF-style: chr15-55491156-T-A. GRCh37 (hg19) VCF-style: chr15-55783354-T-A.
Other names: c.372A>T, p.Glu124Asp (NM_001033559.3, NM_001033560.2); short protein forms E124D.
Identifiers: ClinVar variation 2150123 (VCV002150123.3), dbSNP rs747703690, ClinGen allele CA7575065.
Genomic context (GRCh38, chr15:55,491,156, plus strand): 5'-GGACTTGCCTGTCATTCTGCAACTTACCTTCATCATGACACTTAGTGCGTATTTTTGATC[T>A]TCCCGCTTTGCTGCAGCTTTTGCTTCTGTAGCTTCTTTTGCTCTCTCTTGTGCTTGTAAA-3'
Protein context (NP_570722.2, residues 114-134): ATEAKAAAKR[Glu124Asp]DQKYALSVMM

ClinVar aggregate classification (germline): Uncertain significance (1 of 4 stars; one submission).

Allele frequency attached by ClinVar (database versions not stated): gnomAD exomes 0.00001; ExAC 0.00002; gnomAD 0.00002; TOPMed 0.00005.
gnomAD v4.1: 23 of 1,614,010 alleles (0.0014%); highest among the groups gnomAD compares: East Asian, 0.033%; no homozygotes.

Submission:

Labcorp Genetics (formerly Invitae), Labcorp
Classification: Uncertain significance. Last evaluated: 2022-06-22. Review status: criteria provided, single submitter. Criteria: Invitae Variant Classification Sherloc (09022015). Collection method: clinical testing. Allele origin: germline.
Comment: In summary, the available evidence is currently insufficient to determine the role of this variant in disease. Therefore, it has been classified as a Variant of Uncertain Significance. Algorithms developed to predict the effect of missense changes on protein structure and function are either unavailable or do not agree on the potential impact of this missense change (SIFT: "Deleterious"; PolyPhen-2: "Possibly Damaging"; Align-GVGD: "Class C15"). This sequence change replaces glutamic acid, which is acidic and polar, with aspartic acid, which is acidic and polar, at codon 124 of the DNAAF4 protein (p.Glu124Asp). This variant is present in population databases (rs747703690, gnomAD 0.02%). This variant has not been reported in the literature in individuals affected with DNAAF4-related conditions.